The following is an entry in ClinVar:

ClinVar aggregate classification (germline): Conflicting classifications of pathogenicity. Review status: criteria provided, conflicting classifications (1 of 4 stars). 2 submissions from 2 submitters: Likely pathogenic (1); Uncertain significance (1). Last evaluated 2022-01-01.

Conditions:
Juvenile polyposis syndrome (JPS). Identifiers: Orphanet 2929, MedGen C0345893, MONDO:0017380, OMIM 174900.
Ovarian cancer. Also called: OVARIAN CANCER, SOMATIC. Identifiers: Orphanet 213500, MedGen C1140680, MONDO:0008170, OMIM 167000.

Submissions (2):

Laboratory of Molecular Epidemiology of Birth Defects, West China Second University Hospital, Sichuan University
Classification: Likely pathogenic for Ovarian cancer. Last evaluated: 2022-01-01. Review status: criteria provided, single submitter. Criteria: ACMG Guidelines, 2015. Collection method: clinical testing. Allele origin: germline. Affected: yes.

Labcorp Genetics (formerly Invitae), Labcorp
Classification: Uncertain significance for Juvenile polyposis syndrome. Last evaluated: 2021-10-15. Review status: criteria provided, single submitter. Criteria: Invitae Variant Classification Sherloc (09022015). Collection method: clinical testing. Allele origin: germline.
Comment: In summary, the available evidence is currently insufficient to determine the role of this variant in disease. Therefore, it has been classified as a Variant of Uncertain Significance. Algorithms developed to predict the effect of missense changes on protein structure and function are either unavailable or do not agree on the potential impact of this missense change (SIFT: "Deleterious"; PolyPhen-2: "Possibly Damaging"; Align-GVGD: "Class C0"). This variant has not been reported in the literature in individuals affected with BMPR1A-related conditions. This variant is not present in population databases (ExAC no frequency). This sequence change replaces lysine with glutamic acid at codon 207 of the BMPR1A protein (p.Lys207Glu). The lysine residue is highly conserved and there is a small physicochemical difference between lysine and glutamic acid.

NM_004329.3(BMPR1A):c.619A>G (p.Lys207Glu)

Gene: BMPR1A (bone morphogenetic protein receptor type 1A; plus strand). Cytogenetic location: 10q23.2.
Variant type: single nucleotide variant.
Coding change: c.619A>G on transcript NM_004329.3 (MANE Select); coding-DNA position 619, A replaced by G.
Protein change: p.Lys207Glu; replaces lysine 207 with glutamic acid.
Molecular consequence: missense variant.
Genome position (GRCh38, 1-based): chr10:86,912,328, A>G. VCF-style: chr10-86912328-A-G. GRCh37 (hg19) VCF-style: chr10-88672085-A-G.
Other names: c.619A>G (NM_004329.2); short protein forms K207E.
Identifiers: ClinVar variation 1410411 (VCV001410411.7), dbSNP rs2133545475, ClinGen allele CA377454829.